The following is an entry in ClinVar:

ClinVar aggregate classification (germline): Uncertain significance (1 of 4 stars; one submission).

Allele frequency attached by ClinVar (database versions not stated): gnomAD exomes below 0.00001; TOPMed below 0.00001.
gnomAD v4.1: 18 of 1,586,072 alleles (0.0011%); highest among the groups gnomAD compares: Non-Finnish European, 0.0015%; no homozygotes.

Submission:

Labcorp Genetics (formerly Invitae), Labcorp
Classification: Uncertain significance. Last evaluated: 2021-11-11. Review status: criteria provided, single submitter. Criteria: Invitae Variant Classification Sherloc (09022015). Collection method: clinical testing. Allele origin: germline.
Comment: Algorithms developed to predict the effect of missense changes on protein structure and function are either unavailable or do not agree on the potential impact of this missense change (SIFT: "Deleterious"; PolyPhen-2: "Possibly Damaging"; Align-GVGD: "Class C0"). This variant has not been reported in the literature in individuals affected with COL13A1-related conditions. The frequency data for this variant in the population databases is considered unreliable, as metrics indicate poor data quality at this position in the gnomAD database. This sequence change replaces leucine, which is neutral and non-polar, with arginine, which is basic and polar, at codon 102 of the COL13A1 protein (p.Leu102Arg). In summary, the available evidence is currently insufficient to determine the role of this variant in disease. Therefore, it has been classified as a Variant of Uncertain Significance.

NM_001368882.1(COL13A1):c.305T>G (p.Leu102Arg)

Gene: COL13A1 (collagen type XIII alpha 1 chain; plus strand). Cytogenetic location: 10q22.1.
Variant type: single nucleotide variant.
Coding change: c.305T>G on transcript NM_001368882.1 (MANE Select); coding-DNA position 305, T replaced by G.
Protein change: p.Leu102Arg; replaces leucine 102 with arginine.
Molecular consequence: missense variant. On other transcripts: 5 prime UTR variant (1).
Genome position (GRCh38, 1-based): chr10:69,822,379, T>G. VCF-style: chr10-69822379-T-G. GRCh37 (hg19) VCF-style: chr10-71582135-T-G.
Other names: c.305T>G, p.Leu102Arg (NM_001130103.2, NM_001320951.2, NM_001368883.1 and 11 more transcripts); c.-349T>G (NM_001368886.1); short protein forms L102R.
Identifiers: ClinVar variation 1494393 (VCV001494393.6), dbSNP rs1193947990, ClinGen allele CA376962078.